The following is an entry in ClinVar:

NM_001039591.3(USP9X):c.6923_6929del (p.Trp2308fs)

Gene: USP9X (ubiquitin specific peptidase 9 X-linked; plus strand). Cytogenetic location: Xp11.4.
Variant type: Deletion.
Coding change: c.6923_6929del on transcript NM_001039591.3 (MANE Select); coding-DNA positions 6923 to 6929, 7 bases deleted (GGGAGAA; older notation c.6923_6929delGGGAGAA).
Protein change: p.Trp2308fs; shifts the reading frame from tryptophan 2308.
Molecular consequence: frameshift variant.
Genome position (GRCh38, 1-based): chrX:41,224,913-41,224,919, GGGAGAA deleted. VCF-style (leftmost placement, unchanged base first): chrX-41224912-TGGGAGAA-T. GRCh37 (hg19) VCF-style: chrX-41084165-TGGGAGAA-T.
Other names: c.6923_6929del, p.Trp2308fs (NM_001039590.3); c.6938_6944del, p.Trp2313fs (NM_001410748.1, NM_001410749.1); short protein forms W2308fs, W2313fs.
Identifiers: ClinVar variation 3899263 (VCV003899263.1).

ClinVar aggregate classification (germline): Pathogenic (1 of 4 stars; one submission).

Conditions:
USP9X-related disorder. Also called: USP9X-related condition.

Submission:

Rady Children's Institute for Genomic Medicine, Rady Children's Hospital San Diego
Classification: Pathogenic for USP9X-related disorders. Last evaluated: 2024-08-19. Review status: criteria provided, single submitter. Criteria: ACMG Guidelines, 2015. Collection method: clinical testing. Allele origin: germline. Affected: yes.
Comment: Variants were found in the cis configuration (on the same chromosomal allele), forming a complex variant noted as c.[6916del; 6923_6929del] (p.[Cys2306AlafsTer40; Trp2308Phefs*36]). This frameshifting complex variant in exon 40 of 45 is predicted to result in loss of normal protein function through either protein truncation or nonsense-mediated mRNA decay. The USP9X gene is constrained against variation (Z-score= 6.41 and pLI = 1), and loss-of-function variants have been reported in individuals with X-linked USP9X-related disorders (PMID: 26833328, 31443933). This complex variant has not been previously reported or functionally characterized in the literature to our knowledge. The c.[6916del; 6923_6929del] (p.[Cys2306AlafsTer40; Trp2308Phefs*36]) variant is absent from the gnomAD v4 population database and thus is presumed to be rare. Analysis of the parental samples was negative for the variant, indicating this variant likely occurred as a de novo event. Based on the available evidence, c.[6916del; 6923_6929del] (p.[Cys2306AlafsTer40; Trp2308Phefs*36]) is classified as Pathogenic. <b>Gene Information: </b> The USP9X gene is located on chromosome Xp11.4 and encodes Ubiquitin Specific Peptidase 9, which is involved in protein turnover and TGF-beta signaling during fetal and neuronal development including processes of neuronal migrations (PMID: 37064340, 36680497). <b>Disease Association(s): </b> X-linked USP9X-related disorders (MIM: #300919, #300968) <b>Disease Summary: </b> - USP9X-related disorders are neurodevelopmental disorders characterized by developmental delay and intellectual disability (PMID: 26833328, 24607389). - Additional reported features in females include characteristic facial features, hypotonia, short stature, structural brain abnormalities (hypoplasia/agenesis of the corpus callosum, widened ventricles, white matter disturbances, cerebellar hypoplasia, and periventricular heterotopia), and distinct congenital malformations affecting the eyes, teeth, digits, spine, or anus (PMID: 26833328, 36680497). - Affected males have a clinical presentation that significantly overlaps with that of affected females, and may also include behavioral abnormalities; but congenital malformations are reported to be rare or absent in males (PMID: 24607389, 31443933, 37064340). - Pathogenic USP9X variants show variable expressivity, incomplete penetrance, are often found in the de novo state; however, inheritance from an unaffected mother has been described (PMID: 35253988, 26833328, 24607389). - Additionally, pathogenic USP9X variants have been reported to escape X-chromosome inactivation thus causing severe symptoms in heterozygous females (PMID: 31443933, 26833328). - The pathogenic USP9X variants in affected females are predominantly complete loss-of-function alleles leading to haploinsufficiency; whereas, the majority of the reported variants in males are missense variants with partial loss of function (PMID: 31443933, 37064340).